The following is an entry in ClinVar:

ClinVar aggregate classification (germline): Uncertain significance (1 of 4 stars; one submission).

Allele frequency attached by ClinVar (database versions not stated): gnomAD exomes below 0.00001; TOPMed below 0.00001; gnomAD 0.00001.
gnomAD v4.1: 3 of 1,614,042 alleles (0.00019%); highest among the groups gnomAD compares: African/African-American, 0.0013%; no homozygotes.

Submission:

Labcorp Genetics (formerly Invitae), Labcorp
Classification: Uncertain significance. Last evaluated: 2023-05-13. Review status: criteria provided, single submitter. Criteria: Invitae Variant Classification Sherloc (09022015). Collection method: clinical testing. Allele origin: germline.
Comment: This sequence change replaces serine, which is neutral and polar, with proline, which is neutral and non-polar, at codon 615 of the LIFR protein (p.Ser615Pro). This variant is not present in population databases (gnomAD no frequency). This variant has not been reported in the literature in individuals affected with LIFR-related conditions. Algorithms developed to predict the effect of missense changes on protein structure and function output the following: SIFT: "Not Available"; PolyPhen-2: "Benign"; Align-GVGD: "Not Available". The proline amino acid residue is found in multiple mammalian species, which suggests that this missense change does not adversely affect protein function. In summary, the available evidence is currently insufficient to determine the role of this variant in disease. Therefore, it has been classified as a Variant of Uncertain Significance.

NM_001127671.2(LIFR):c.1843T>C (p.Ser615Pro)

Gene: LIFR (LIF receptor subunit alpha; minus strand). Cytogenetic location: 5p13.1.
Variant type: single nucleotide variant.
Coding change: c.1843T>C on transcript NM_001127671.2 (MANE Select); coding-DNA position 1843, T replaced by C.
Protein change: p.Ser615Pro; replaces serine 615 with proline.
Molecular consequence: missense variant.
Genome position (GRCh38, 1-based): chr5:38,496,424, A>G on the plus strand (T>C on the coding strand, the complement: LIFR is on the minus strand). VCF-style: chr5-38496424-A-G. GRCh37 (hg19) VCF-style: chr5-38496526-A-G.
Other names: c.1843T>C, p.Ser615Pro (NM_001364297.2, NM_001364298.2, NM_002310.6); short protein forms S615P.
Identifiers: ClinVar variation 2903987 (VCV002903987.3), dbSNP rs1014211682, ClinGen allele CA117151142.